The following is an entry in ClinVar:

ClinVar aggregate classification (germline): Pathogenic (1 of 4 stars; one submission).

Submission:

Labcorp Genetics (formerly Invitae), Labcorp
Classification: Pathogenic. Last evaluated: 2023-03-16. Review status: criteria provided, single submitter. Criteria: Invitae Variant Classification Sherloc (09022015). Collection method: clinical testing. Allele origin: germline.
Comment: For these reasons, this variant has been classified as Pathogenic. This variant has not been reported in the literature in individuals affected with SLC25A1-related conditions. This variant is not present in population databases (gnomAD no frequency). This sequence change creates a premature translational stop signal (p.Pro4Argfs*16) in the SLC25A1 gene. It is expected to result in an absent or disrupted protein product. Loss-of-function variants in SLC25A1 are known to be pathogenic (PMID: 23561848).

Literature cited by the submitters: PubMed 23561848.

NM_005984.5(SLC25A1):c.9_18del (p.Pro4fs)

Gene: SLC25A1 (solute carrier family 25 member 1; minus strand). Cytogenetic location: 22q11.21.
Variant type: Deletion.
Coding change: c.9_18del on transcript NM_005984.5 (MANE Select); coding-DNA positions 9 to 18, 10 bases deleted (GCCCCGCGCC; older notation c.9_18delGCCCCGCGCC).
Protein change: p.Pro4fs; shifts the reading frame from proline 4.
Molecular consequence: frameshift variant. On other transcripts: non-coding transcript variant (1).
Genome position (GRCh38, 1-based): chr22:19,178,656-19,178,665, GGCGCGGGGC deleted on the plus strand (GCCCCGCGCC on the coding strand, the reverse complement: SLC25A1 is on the minus strand); deleting any 10 consecutive bases within chr22:19,178,656-19,178,666 gives the same sequence; the c. name uses the placement nearest the transcript's 3' end. VCF-style (leftmost placement, unchanged base first): chr22-19178655-GGGCGCGGGGC-G. GRCh37 (hg19) VCF-style: chr22-19166168-GGGCGCGGGGC-G.
Other names: short protein forms P4fs.
Identifiers: ClinVar variation 2846385 (VCV002846385.3), dbSNP rs2517261629, ClinGen allele CA2739267788.
Genomic context (GRCh38, chr22:19,178,655, plus strand): 5'-TCCCCGGGTGCGTCAGCTTGGCCTTCCCGGACGCGGGCGCGGCGGCCGCCAGAGCGCGCG[GGGCGCGGGGC>G]GCGGGCATGGCGGGCGGGAGGCGGGGCGCCCTGTGGCGGCTTCGGGTCCGAGACTCCAGA-3'